The following is an entry in ClinVar:

ClinVar aggregate classification (germline): Pathogenic (1 of 4 stars; one submission).

Submission:

Labcorp Genetics (formerly Invitae), Labcorp
Classification: Pathogenic. Last evaluated: 2023-12-30. Review status: criteria provided, single submitter. Criteria: Invitae Variant Classification Sherloc (09022015). Collection method: clinical testing. Allele origin: germline.
Comment: This sequence change creates a premature translational stop signal (p.Asn261Tyrfs*57) in the TYR gene. It is expected to result in an absent or disrupted protein product. Loss-of-function variants in TYR are known to be pathogenic (PMID: 23504663). This variant is present in population databases (no rsID available, gnomAD 0.003%). This premature translational stop signal has been observed in individual(s) with oculocutaneous albinism (PMID: 16517127). In at least one individual the data is consistent with being in trans (on the opposite chromosome) from a pathogenic variant. For these reasons, this variant has been classified as Pathogenic.

Literature cited by the submitters: PubMed 23504663; PubMed 16517127.

NM_000372.5(TYR):c.781_784del (p.Asn261fs)

Gene: TYR (tyrosinase; plus strand). Cytogenetic location: 11q14.3.
Variant type: Deletion.
Coding change: c.781_784del on transcript NM_000372.5 (MANE Select); coding-DNA positions 781 to 784, 4 bases deleted (AACT; older notation c.781_784delAACT).
Protein change: p.Asn261fs; shifts the reading frame from asparagine 261.
Molecular consequence: frameshift variant.
Genome position (GRCh38, 1-based): chr11:89,178,734-89,178,737, AACT deleted; deleting any 4 consecutive bases within chr11:89,178,732-89,178,737 gives the same sequence; the c. name uses the placement nearest the transcript's 3' end. VCF-style (leftmost placement, unchanged base first): chr11-89178731-CCTAA-C. GRCh37 (hg19) VCF-style: chr11-88911899-CCTAA-C.
Other names: short protein forms N261fs.
Identifiers: ClinVar variation 2735727 (VCV002735727.3), dbSNP rs1413355871, ClinGen allele CA601191355.